The following is an entry in ClinVar:

ClinVar aggregate classification (germline): Uncertain significance (1 of 4 stars; one submission).

Allele frequency attached by ClinVar (database versions not stated): gnomAD exomes below 0.00001; ExAC 0.00001.
gnomAD v4.1: 3 of 1,614,182 alleles (0.00019%); highest among the groups gnomAD compares: Admixed American, 0.0033%; no homozygotes.

Submission:

Labcorp Genetics (formerly Invitae), Labcorp
Classification: Uncertain significance. Last evaluated: 2024-12-03. Review status: criteria provided, single submitter. Criteria: Invitae Variant Classification Sherloc (09022015). Collection method: clinical testing. Allele origin: germline.
Comment: This sequence change replaces aspartic acid, which is acidic and polar, with tyrosine, which is neutral and polar, at codon 3330 of the FAT4 protein (p.Asp3330Tyr). This variant is present in population databases (rs754136384, gnomAD 0.006%). This variant has not been reported in the literature in individuals affected with FAT4-related conditions. ClinVar contains an entry for this variant (Variation ID: 2421436). Invitae Evidence Modeling of protein sequence and biophysical properties (such as structural, functional, and spatial information, amino acid conservation, physicochemical variation, residue mobility, and thermodynamic stability) indicates that this missense variant is expected to disrupt FAT4 protein function with a positive predictive value of 80%. In summary, the available evidence is currently insufficient to determine the role of this variant in disease. Therefore, it has been classified as a Variant of Uncertain Significance.

NM_001291303.3(FAT4):c.9994G>T (p.Asp3332Tyr)

Gene: FAT4 (FAT atypical cadherin 4; plus strand). Cytogenetic location: 4q28.1.
Variant type: single nucleotide variant.
Coding change: c.9994G>T on transcript NM_001291303.3 (MANE Select); coding-DNA position 9994, G replaced by T.
Protein change: p.Asp3332Tyr; replaces aspartic acid 3332 with tyrosine.
Molecular consequence: missense variant.
Genome position (GRCh38, 1-based): chr4:125,451,004, G>T. VCF-style: chr4-125451004-G-T. GRCh37 (hg19) VCF-style: chr4-126372159-G-T.
Other names: c.9994G>T, p.Asp3332Tyr (NM_001291285.3); c.9988G>T, p.Asp3330Tyr (NM_024582.6); short protein forms D3330Y, D3332Y.
Identifiers: ClinVar variation 2421436 (VCV002421436.6), dbSNP rs754136384, ClinGen allele CA3073615.